The following is an entry in ClinVar:

NM_001145418.2(TTC28):c.4719C>T (p.Phe1573=)

Genes: TTC28 (tetratricopeptide repeat domain 28; minus strand), TTC28-AS1 (TTC28 antisense RNA 1; plus strand). Cytogenetic location: 22q12.1.
Variant type: single nucleotide variant.
Coding change: c.4719C>T on transcript NM_001145418.2 (MANE Select); coding-DNA position 4719, C replaced by T.
Protein change: p.Phe1573=; no amino-acid change (phenylalanine 1573 retained).
Molecular consequence: synonymous variant.
Genome position (GRCh38, 1-based): chr22:27,998,940, G>A on the plus strand (C>T on the coding strand, the complement: TTC28 is on the minus strand). VCF-style: chr22-27998940-G-A. GRCh37 (hg19) VCF-style: chr22-28394928-G-A.
Other names: c.4719C>T, p.Phe1573= (NM_001393403.1); c.4365C>T, p.Phe1455= (NM_001393404.1, NM_001393405.1).
Identifiers: ClinVar variation 3048180 (VCV003048180.2), dbSNP rs371431041, ClinGen allele CA10167205.
Genomic context (GRCh38, chr22:27,998,940, plus strand): 5'-CTCCCCATCACTGGCATCGTCCTGCACCCGCAAGGACTCAGGGATCGTGTAGGGGTGGCC[G>A]AAGGAGCTCTTGCTGCTGGCAGGGTTGCCGTCCATGCTGGGCGTGAGGACCAAGGCCGAC-3'
Protein context (NP_001138890.1, residues 1563-1583): DGNPASSKSS[Phe1573=]GHPYTIPESL

ClinVar aggregate classification (germline): Likely benign (0 of 4 stars; one submission).

Conditions:
TTC28-related disorder. Also called: TTC28-related condition.

Allele frequency attached by ClinVar (database versions not stated): ExAC 0.00005; gnomAD exomes 0.00012; 1000 Genomes Project 0.00020; ESP Exome Variant Server 0.00022; gnomAD 0.00023; TOPMed 0.00024; 1000 Genomes Project 30x 0.00031.
gnomAD v4.1: 212 of 1,550,802 alleles (0.014%); highest among the groups gnomAD compares: East Asian, 0.26%; no homozygotes.

Submission:

PreventionGenetics, part of Exact Sciences
Classification: Likely benign for TTC28-related condition. Last evaluated: 2019-11-19. Review status: no assertion criteria provided. Collection method: clinical testing. Allele origin: germline.
Comment: This variant is classified as likely benign based on ACMG/AMP sequence variant interpretation guidelines (Richards et al. 2015 PMID: 25741868, with internal and published modifications).